The following is an entry in ClinVar:

NM_018129.4(PNPO):c.442A>C (p.Lys148Gln)

Gene: PNPO (pyridoxamine 5'-phosphate oxidase; plus strand). Cytogenetic location: 17q21.32.
Variant type: single nucleotide variant.
Coding change: c.442A>C on transcript NM_018129.4 (MANE Select); coding-DNA position 442, A replaced by C.
Protein change: p.Lys148Gln; replaces lysine 148 with glutamine.
Molecular consequence: missense variant.
Genome position (GRCh38, 1-based): chr17:47,945,885, A>C. VCF-style: chr17-47945885-A-C. GRCh37 (hg19) VCF-style: chr17-46023251-A-C.
Other names: short protein forms K148Q.
Identifiers: ClinVar variation 837126 (VCV000837126.9), dbSNP rs2036000732, ClinGen allele CA400058660.

ClinVar aggregate classification (germline): Uncertain significance (1 of 4 stars; one submission).

Conditions:
Pyridoxal phosphate-responsive seizures (PNPOD). Also called: Pyridoxamine 5-Prime-Phosphate Oxidase Deficiency; Pyridoxine-5'-phosphate oxidase deficiency; Pyridoxal 5'-Phosphate (PLP)-Dependent Epilepsy; EPILEPTIC ENCEPHALOPATHY, NEONATAL, PNPO-RELATED; SEIZURES, PYRIDOXINE-RESISTANT, PLP-SENSITIVE. Identifiers: Orphanet 79096, MedGen C1864723, MONDO:0012407, OMIM 610090. Disease mechanism: loss of function.

Allele frequency attached by ClinVar (database versions not stated): gnomAD exomes below 0.00001.
gnomAD v4.1: 2 of 1,613,828 alleles (0.00012%); highest among the groups gnomAD compares: South Asian, 0.0022%; no homozygotes.

Submission:

Labcorp Genetics (formerly Invitae), Labcorp
Classification: Uncertain significance for Pyridoxal phosphate-responsive seizures. Last evaluated: 2022-12-06. Review status: criteria provided, single submitter. Criteria: Invitae Variant Classification Sherloc (09022015). Collection method: clinical testing. Allele origin: germline.
Comment: This sequence change replaces lysine, which is basic and polar, with glutamine, which is neutral and polar, at codon 148 of the PNPO protein (p.Lys148Gln). This variant is not present in population databases (gnomAD no frequency). This variant has not been reported in the literature in individuals affected with PNPO-related conditions. ClinVar contains an entry for this variant (Variation ID: 837126). Advanced modeling of protein sequence and biophysical properties (such as structural, functional, and spatial information, amino acid conservation, physicochemical variation, residue mobility, and thermodynamic stability) performed at Invitae indicates that this missense variant is not expected to disrupt PNPO protein function. In summary, the available evidence is currently insufficient to determine the role of this variant in disease. Therefore, it has been classified as a Variant of Uncertain Significance.